The following is an entry in ClinVar:

NM_004117.4(FKBP5):c.*1136G>T

Gene: FKBP5 (FKBP prolyl isomerase 5; minus strand). Cytogenetic location: 6p21.31.
Variant type: single nucleotide variant.
Coding change: c.*1136G>T on transcript NM_004117.4 (MANE Select); 1136 bases downstream of the stop codon, G replaced by T.
Molecular consequence: 3 prime UTR variant.
Genome position (GRCh38, 1-based): chr6:35,574,699, C>A on the plus strand (G>T on the coding strand, the complement: FKBP5 is on the minus strand). VCF-style: chr6-35574699-C-A. GRCh37 (hg19) VCF-style: chr6-35542476-C-A.
Other names: c.*1136G>T (NM_001145775.3, NM_001145776.2).
Identifiers: ClinVar variation 1279819 (VCV001279819.1), dbSNP rs3800373, ClinGen allele CA12190022.
Genomic context (GRCh38, chr6:35,574,699, plus strand): 5'-TGCGTGTCAAACCTGCAGGTGAAACCCCTAGTGTAGAAGAGCAACTATTTATTTGTCAAC[C>A]CTACAGATTTTGTTTTTAAAAATTAAGCTTAGTACTAAAAAGTCAAAATTTTTTTGCATG-3'

ClinVar aggregate classification (germline): Benign (1 of 4 stars; one submission).

Allele frequency attached by ClinVar (database versions not stated): TOPMed 0.66500; 1000 Genomes Project 30x 0.67255; gnomAD 0.67865 and 0.67706; gnomAD exomes 0.81373; 1000 Genomes Project 0.67472.
gnomAD v4.1: 103,629 of 152,464 alleles (68%); highest among the groups gnomAD compares: East Asian, 74%; 35,585 homozygotes.

Submission:

GeneDx
Classification: Benign. Last evaluated: 2019-01-18. Review status: criteria provided, single submitter. Criteria: GeneDx Variant Classification Process June 2021. Collection method: clinical testing. Allele origin: germline. Affected: yes.
Comment: This variant is associated with the following publications: (PMID: 30150364, 31071710)